The following is an entry in ClinVar:

NM_016341.4(PLCE1):c.3058C>T (p.Gln1020Ter)

Gene: PLCE1 (phospholipase C epsilon 1; plus strand). Cytogenetic location: 10q23.33.
Variant type: single nucleotide variant.
Coding change: c.3058C>T on transcript NM_016341.4 (MANE Select); coding-DNA position 3058, C replaced by T.
Protein change: p.Gln1020Ter; replaces glutamine 1020 with a stop codon.
Molecular consequence: nonsense.
Genome position (GRCh38, 1-based): chr10:94,246,583, C>T. VCF-style: chr10-94246583-C-T. GRCh37 (hg19) VCF-style: chr10-96006340-C-T.
Other names: c.2134C>T, p.Gln712Ter (NM_001165979.2); c.3058C>T, p.Gln1020Ter (NM_001288989.2); short protein forms Q712*, Q1020*.
Identifiers: ClinVar variation 800845 (VCV000800845.8), dbSNP rs895782232, ClinGen allele CA211608544.

ClinVar aggregate classification (germline): Pathogenic. Review status: criteria provided, multiple submitters, no conflicts (2 of 4 stars). 5 submissions from 5 submitters: Pathogenic (4). 1 of the submissions does not count toward it. Last evaluated 2023-05-08.

Conditions:
PLCE1-related disorder. Also called: PLCE1-related condition.
Nephrotic syndrome, type 3 (NPHS3). Also called: NEPHROTIC SYNDROME, EARLY-ONSET, TYPE 3. Identifiers: Orphanet 656, MedGen C1853124, MONDO:0012546, OMIM 610725.

Submissions (5):

Genomic Medicine Center of Excellence, King Faisal Specialist Hospital and Research Centre
Classification: Pathogenic for Nephrotic syndrome, type 3. Last evaluated: 2023-05-08. Review status: criteria provided, single submitter. Criteria: ACMG Guidelines, 2015. Collection method: research. Allele origin: germline. Affected: yes.

Revvity Omics, Revvity
Classification: Pathogenic for Nephrotic syndrome, type 3. Last evaluated: 2021-09-02. Review status: criteria provided, single submitter. Criteria: ACMG Guidelines, 2015. Collection method: clinical testing. Allele origin: germline.

Baylor Genetics
Classification: Pathogenic for Nephrotic syndrome, type 3. Last evaluated: 2020-02-03. Review status: criteria provided, single submitter. Criteria: ACMG Guidelines, 2015. Collection method: clinical testing. Allele origin: unknown. Affected: yes.
Comment: This variant was determined to be pathogenic according to ACMG Guidelines, 2015 [PMID:25741868].

Blueprint Genetics
Classification: Pathogenic for PLCE1-related disorders. Last evaluated: 2019-11-01. Review status: criteria provided, single submitter. Criteria: ACMG Guidelines, 2015. Collection method: clinical testing. Allele origin: germline. Affected: yes. Observed: 2 variant alleles.

Biochemical Molecular Genetic Laboratory, King Abdulaziz Medical City
Classification: Pathogenic for Nephrotic syndrome, type 3. Last evaluated: 2019-08-25. Review status: no assertion criteria provided. Collection method: clinical testing. Allele origin: germline. Affected: yes. Not counted in ClinVar's aggregate classification.